The following is an entry in ClinVar:

NM_024675.4(PALB2):c.782A>T (p.His261Leu)

Gene: PALB2 (partner and localizer of BRCA2; minus strand). Cytogenetic location: 16p12.2.
Variant type: single nucleotide variant.
Coding change: c.782A>T on transcript NM_024675.4 (MANE Select); coding-DNA position 782, A replaced by T.
Protein change: p.His261Leu; replaces histidine 261 with leucine.
Molecular consequence: missense variant.
Genome position (GRCh38, 1-based): chr16:23,635,764, T>A on the plus strand (A>T on the coding strand, the complement: PALB2 is on the minus strand). VCF-style: chr16-23635764-T-A. GRCh37 (hg19) VCF-style: chr16-23647085-T-A.
Other names: c.722A>T, p.His241Leu (NM_001407296.1); c.782A>T, p.His261Leu (NM_001407297.1, NM_001407298.1, NM_001407299.1 and 3 more transcripts); c.-104A>T (NM_001407304.1, NM_001407305.1, NM_001407306.1 and 5 more transcripts); short protein forms H261L, H241L.
Identifiers: ClinVar variation 2126187 (VCV002126187.4), dbSNP rs2142434612, ClinGen allele CA395136061.

ClinVar aggregate classification (germline): Uncertain significance (1 of 4 stars; one submission).

Conditions:
Familial cancer of breast. Also called: hereditary breast carcinoma; BREAST CANCER, FAMILIAL; Hereditary breast cancer. Identifiers: Orphanet 227535, MedGen C0346153, MONDO:0016419, OMIM 114480. Disease mechanism: loss of function.

Submission:

Labcorp Genetics (formerly Invitae), Labcorp
Classification: Uncertain significance for Familial cancer of breast. Last evaluated: 2025-06-30. Review status: criteria provided, single submitter. Criteria: Invitae Variant Classification Sherloc (09022015). Collection method: clinical testing. Allele origin: germline.
Comment: This sequence change replaces histidine, which is basic and polar, with leucine, which is neutral and non-polar, at codon 261 of the PALB2 protein (p.His261Leu). This variant is not present in population databases (gnomAD no frequency). This variant has not been reported in the literature in individuals affected with PALB2-related conditions. ClinVar contains an entry for this variant (Variation ID: 2126187). An algorithm developed to predict the effect of missense changes on protein structure and function outputs the following: PolyPhen-2: "Benign". The leucine amino acid residue is found in multiple mammalian species, which suggests that this missense change does not adversely affect protein function. In summary, the available evidence is currently insufficient to determine the role of this variant in disease. Therefore, it has been classified as a Variant of Uncertain Significance.